The following is an entry in ClinVar:

ClinVar aggregate classification (germline): Likely benign. Review status: criteria provided, single submitter (1 of 4 stars). 2 submissions from 2 submitters: Likely benign (1). 1 of the submissions does not count toward it. Last evaluated 2023-10-13.

Conditions:
HPS6-related disorder. Also called: HPS6-related condition.

Submissions (2):

Labcorp Genetics (formerly Invitae), Labcorp
Classification: Likely benign. Last evaluated: 2023-10-13. Review status: criteria provided, single submitter. Criteria: Invitae Variant Classification Sherloc (09022015). Collection method: clinical testing. Allele origin: germline.

PreventionGenetics, part of Exact Sciences
Classification: Likely benign for HPS6-related condition. Last evaluated: 2023-07-31. Review status: no assertion criteria provided. Collection method: clinical testing. Allele origin: germline. Not counted in ClinVar's aggregate classification.
Comment: This variant is classified as likely benign based on ACMG/AMP sequence variant interpretation guidelines (Richards et al. 2015 PMID: 25741868, with internal and published modifications).

NM_024747.6(HPS6):c.1755G>A (p.Glu585=)

Gene: HPS6 (HPS6 biogenesis of lysosomal organelles complex 2 subunit 3; plus strand). Cytogenetic location: 10q24.32.
Variant type: single nucleotide variant.
Coding change: c.1755G>A on transcript NM_024747.6 (MANE Select); coding-DNA position 1755, G replaced by A.
Protein change: p.Glu585=; no amino-acid change (glutamic acid 585 retained).
Molecular consequence: synonymous variant.
Genome position (GRCh38, 1-based): chr10:102,067,229, G>A. VCF-style: chr10-102067229-G-A. GRCh37 (hg19) VCF-style: chr10-103826986-G-A.
Identifiers: ClinVar variation 3008591 (VCV003008591.5), dbSNP rs781537152, ClinGen allele CA471010987.